The following is an entry in ClinVar:

ClinVar aggregate classification (germline): Uncertain significance (1 of 4 stars; one submission).

Conditions:
Werner syndrome (WRN). Identifiers: Orphanet 902, MedGen C0043119, MONDO:0010196, OMIM 277700.

Allele frequency attached by ClinVar (database versions not stated): gnomAD exomes below 0.00001; gnomAD 0.00001.
gnomAD v4.1: 1 of 1,613,662 alleles (0.000062%); highest among the groups gnomAD compares: Non-Finnish European, 0.000085%; no homozygotes.

Submission:

Labcorp Genetics (formerly Invitae), Labcorp
Classification: Uncertain significance for Werner syndrome. Last evaluated: 2025-09-16. Review status: criteria provided, single submitter. Criteria: Invitae Variant Classification Sherloc (09022015). Collection method: clinical testing. Allele origin: germline.
Comment: This sequence change replaces threonine, which is neutral and polar, with serine, which is neutral and polar, at codon 1152 of the WRN protein (p.Thr1152Ser). This variant is present in population databases (no rsID available, gnomAD 0.0009%). This variant has not been reported in the literature in individuals affected with WRN-related conditions. ClinVar contains an entry for this variant (Variation ID: 654841). An algorithm developed to predict the effect of missense changes on protein structure and function outputs the following: PolyPhen-2: "Benign". The serine amino acid residue is found in multiple mammalian species, which suggests that this missense change does not adversely affect protein function. In summary, the available evidence is currently insufficient to determine the role of this variant in disease. Therefore, it has been classified as a Variant of Uncertain Significance.

NM_000553.6(WRN):c.3454A>T (p.Thr1152Ser)

Gene: WRN (WRN RecQ like helicase; plus strand). Cytogenetic location: 8p12.
Variant type: single nucleotide variant.
Coding change: c.3454A>T on transcript NM_000553.6 (MANE Select); coding-DNA position 3454, A replaced by T.
Protein change: p.Thr1152Ser; replaces threonine 1152 with serine.
Molecular consequence: missense variant.
Genome position (GRCh38, 1-based): chr8:31,147,123, A>T. VCF-style: chr8-31147123-A-T. GRCh37 (hg19) VCF-style: chr8-31004639-A-T.
Other names: short protein forms T1152S.
Identifiers: ClinVar variation 654841 (VCV000654841.5), dbSNP rs1309001891, ClinGen allele CA370925561.